The following is an entry in ClinVar:

NM_000256.3(MYBPC3):c.2540_2547delinsT (p.Tyr847fs)

Gene: MYBPC3 (myosin binding protein C3; minus strand). Cytogenetic location: 11p11.2.
Variant type: Indel.
Coding change: c.2540_2547delinsT on transcript NM_000256.3 (MANE Select); coding-DNA positions 2540 to 2547, ACGCGGTC replaced by T.
Protein change: p.Tyr847fs; shifts the reading frame from tyrosine 847.
Molecular consequence: frameshift variant.
Genome position (GRCh38, 1-based): chr11:47,337,446-47,337,453, GACCGCGT replaced by A on the plus strand (ACGCGGTC replaced by T on the coding strand, the reverse complement: MYBPC3 is on the minus strand). VCF-style: chr11-47337446-GACCGCGT-A. GRCh37 (hg19) VCF-style: chr11-47358997-GACCGCGT-A.
Other names: short protein forms Y847fs.
Identifiers: ClinVar variation 4856627 (VCV004856627.1).

ClinVar aggregate classification (germline): Pathogenic (1 of 4 stars; one submission).

Conditions:
Hypertrophic cardiomyopathy 4. Also called: Familial hypertrophic cardiomyopathy 4. Identifiers: MedGen C1861862, MONDO:0007268, OMIM 115197.

Submission:

Molecular Genetics Laboratory, Motol Hospital
Classification: Pathogenic for Hypertrophic cardiomyopathy 4. Last evaluated: 2026-06-04. Review status: criteria provided, single submitter. Criteria: ACMG Guidelines, 2015. Collection method: clinical testing. Allele origin: germline. Affected: yes. Observed: 1 variant allele.
Comment: A rare variant not present in non-Finnish European population (PM2). Rare truncating variants in the MYBPC3 gene are associated with autosomal dominant familial hypertrophic cardiomyopathy (PVS1). The variant is classified as pathogenic.

Literature cited by the submitters: PubMed 31877118; PubMed 37445689; PubMed 11499719.